The following is an entry in ClinVar:

ClinVar aggregate classification (germline): Uncertain significance (1 of 4 stars; one submission).

gnomAD v4.1: 1 of 1,614,080 alleles (0.000062%); highest among the groups gnomAD compares: Admixed American, 0.0017%; no homozygotes.

Submission:

Labcorp Genetics (formerly Invitae), Labcorp
Classification: Uncertain significance. Last evaluated: 2024-06-13. Review status: criteria provided, single submitter. Criteria: Invitae Variant Classification Sherloc (09022015). Collection method: clinical testing. Allele origin: germline.
Comment: This sequence change replaces asparagine, which is neutral and polar, with histidine, which is basic and polar, at codon 370 of the EMC1 protein (p.Asn370His). This variant is present in population databases (no rsID available, gnomAD 0.003%). This variant has not been reported in the literature in individuals affected with EMC1-related conditions. Advanced modeling of protein sequence and biophysical properties (such as structural, functional, and spatial information, amino acid conservation, physicochemical variation, residue mobility, and thermodynamic stability) performed at Invitae indicates that this missense variant is expected to disrupt EMC1 protein function with a positive predictive value of 80%. In summary, the available evidence is currently insufficient to determine the role of this variant in disease. Therefore, it has been classified as a Variant of Uncertain Significance.

NM_015047.3(EMC1):c.1108A>C (p.Asn370His)

Genes: EMC1 (ER membrane protein complex subunit 1; minus strand), EMC1-AS1 (EMC1 antisense RNA 1; plus strand). Cytogenetic location: 1p36.13.
Variant type: single nucleotide variant.
Coding change: c.1108A>C on transcript NM_015047.3 (MANE Select); coding-DNA position 1108, A replaced by C.
Protein change: p.Asn370His; replaces asparagine 370 with histidine.
Molecular consequence: missense variant.
Genome position (GRCh38, 1-based): chr1:19,238,121, T>G on the plus strand (A>C on the coding strand, the complement: EMC1 is on the minus strand). VCF-style: chr1-19238121-T-G. GRCh37 (hg19) VCF-style: chr1-19564615-T-G.
Other names: c.1105A>C, p.Asn369His (NM_001271427.2, NM_001375821.1); c.1108A>C, p.Asn370His (NM_001271428.2, NM_001375820.1); c.1042A>C, p.Asn348His (NM_001271429.2); short protein forms N348H, N370H, N369H.
Identifiers: ClinVar variation 3689003 (VCV003689003.2).
Genomic context (GRCh38, chr1:19,238,121, plus strand): 5'-TGGTGTCCAGCAGCCGCCGACCTGTCTCCACGAGGTATAGGTTAATGGTGTAGGTCTGAT[T>G]GAAGCAAGCCAGAGAGTCCTAGGAGTACAGACAGCACGTGTCAACTACAGGTATCCCCCG-3'
Protein context (NP_055862.1, residues 360-380): SSSKDSLACF[Asn370His]QTYTINLYLV